The following is an entry in ClinVar:

NM_004204.5(PIGQ):c.566G>A (p.Ser189Asn)

Gene: PIGQ (phosphatidylinositol glycan anchor biosynthesis class Q; plus strand). Cytogenetic location: 16p13.3.
Variant type: single nucleotide variant.
Coding change: c.566G>A on transcript NM_004204.5 (MANE Select); coding-DNA position 566, G replaced by A.
Protein change: p.Ser189Asn; replaces serine 189 with asparagine.
Molecular consequence: missense variant.
Genome position (GRCh38, 1-based): chr16:574,640, G>A. VCF-style: chr16-574640-G-A. GRCh37 (hg19) VCF-style: chr16-624640-G-A.
Other names: c.566G>A, p.Ser189Asn (NM_148920.4); c.566G>A (NM_148920.1); short protein forms S189N.
Identifiers: ClinVar variation 1440797 (VCV001440797.7), dbSNP rs1159912419, ClinGen allele CA394049292.

ClinVar aggregate classification (germline): Uncertain significance. Review status: criteria provided, multiple submitters, no conflicts (2 of 4 stars). 2 submissions from 2 submitters: Uncertain significance (2). Last evaluated 2025-01-18.

Conditions:
Epilepsy. Also called: Seizure disorder. Identifiers: MedGen C0014544, MeSH D004827, MONDO:0005027.
Inborn genetic diseases. Identifiers: MedGen C0950123, MeSH D030342.

Allele frequency attached by ClinVar (database versions not stated): gnomAD exomes below 0.00001 and 0.00001.
gnomAD v4.1: 4 of 1,608,046 alleles (0.00025%); highest among the groups gnomAD compares: South Asian, 0.0011%; no homozygotes.

Submissions (2):

Ambry Genetics
Classification: Uncertain significance for Inborn genetic diseases. Last evaluated: 2025-01-18. Review status: criteria provided, single submitter. Criteria: Ambry Variant Classification Scheme 2023. Collection method: clinical testing. Allele origin: germline.

Labcorp Genetics (formerly Invitae), Labcorp
Classification: Uncertain significance for Epilepsy. Last evaluated: 2021-08-11. Review status: criteria provided, single submitter. Criteria: Invitae Variant Classification Sherloc (09022015). Collection method: clinical testing. Allele origin: germline.
Comment: This sequence change replaces serine with asparagine at codon 189 of the PIGQ protein (p.Ser189Asn). The serine residue is weakly conserved and there is a small physicochemical difference between serine and asparagine. This variant is not present in population databases (ExAC no frequency). This variant has not been reported in the literature in individuals affected with PIGQ-related conditions. Algorithms developed to predict the effect of missense changes on protein structure and function (SIFT, PolyPhen-2, Align-GVGD) all suggest that this variant is likely to be tolerated. In summary, the available evidence is currently insufficient to determine the role of this variant in disease. Therefore, it has been classified as a Variant of Uncertain Significance.